The following is an entry in ClinVar:

ClinVar aggregate classification (germline): Likely benign. Review status: criteria provided, multiple submitters, no conflicts (2 of 4 stars). 5 submissions from 5 submitters: Likely benign (5). Last evaluated 2024-02-05.

Conditions:
Familial thoracic aortic aneurysm and aortic dissection (TAAD). Also called: Thoracic aortic aneurysms and dissections. Identifiers: Orphanet 91387, MedGen C4707243, MONDO:0019625.
Aortic aneurysm, familial thoracic 4 (AAT4). Also called: AORTIC ANEURYSM/AORTIC DISSECTION AND PATENT DUCTUS ARTERIOSUS. Identifiers: MedGen C1851504, MONDO:0007568, OMIM 132900.

Allele frequency attached by ClinVar (database versions not stated): ExAC 0.00001; gnomAD 0.00002; TOPMed 0.00002.
gnomAD v4.1: 40 of 1,614,000 alleles (0.0025%); highest among the groups gnomAD compares: African/African-American, 0.004%; no homozygotes.

Submissions (5):

All of Us Research Program, National Institutes of Health
Classification: Likely benign for Familial thoracic aortic aneurysm and aortic dissection. Last evaluated: 2024-02-05. Review status: criteria provided, single submitter. Criteria: ACMG Guidelines, 2015. Collection method: clinical testing. Allele origin: germline. Inheritance: Autosomal dominant inheritance. Observed: 1 variant allele, 1 heterozygote.
Comment: This study involves interpretation of variants in research participants for the purpose of population health screening. Participant phenotype was not available at the time of variant classification. Additional details can be found in publication PMID: 35346344, PMCID: PMC8962531

Labcorp Genetics (formerly Invitae), Labcorp
Classification: Likely benign for Aortic aneurysm, familial thoracic 4. Last evaluated: 2023-10-11. Review status: criteria provided, single submitter. Criteria: Invitae Variant Classification Sherloc (09022015). Collection method: clinical testing. Allele origin: germline.

GeneDx
Classification: Likely benign. Last evaluated: 2021-01-08. Review status: criteria provided, single submitter. Criteria: GeneDx Variant Classification Process June 2021. Collection method: clinical testing. Allele origin: germline. Affected: yes.

Ambry Genetics
Classification: Likely benign for Familial thoracic aortic aneurysm and aortic dissection. Last evaluated: 2020-01-30. Review status: criteria provided, single submitter. Criteria: Ambry Variant Classification Scheme 2023. Collection method: clinical testing. Allele origin: germline.

Color Diagnostics, LLC DBA Color Health
Classification: Likely benign for Familial thoracic aortic aneurysm and aortic dissection. Last evaluated: 2019-12-29. Review status: criteria provided, single submitter. Criteria: ACMG Guidelines, 2015. Collection method: clinical testing. Allele origin: germline.

NM_002474.3(MYH11):c.63C>T (p.Ile21=)

Gene: MYH11 (myosin heavy chain 11; minus strand). Cytogenetic location: 16p13.11.
Variant type: single nucleotide variant.
Coding change: c.63C>T on transcript NM_002474.3 (MANE Select); coding-DNA position 63, C replaced by T.
Protein change: p.Ile21=; no amino-acid change (isoleucine 21 retained).
Molecular consequence: synonymous variant.
Genome position (GRCh38, 1-based): chr16:15,838,190, G>A on the plus strand (C>T on the coding strand, the complement: MYH11 is on the minus strand). VCF-style: chr16-15838190-G-A. GRCh37 (hg19) VCF-style: chr16-15932047-G-A.
Other names: c.63C>T, p.Ile21= (NM_001040113.2, NM_001040114.2, NM_022844.3).
Identifiers: ClinVar variation 465755 (VCV000465755.15), dbSNP rs755935176, ClinGen allele CA7923125.